The following is an entry in ClinVar:

NM_001004464.2(OR10G8):c.72C>A (p.Pro24=)

Gene: OR10G8 (olfactory receptor family 10 subfamily G member 8; plus strand). Cytogenetic location: 11q24.2.
Variant type: single nucleotide variant.
Coding change: c.72C>A on transcript NM_001004464.2 (MANE Select); coding-DNA position 72, C replaced by A.
Protein change: p.Pro24=; no amino-acid change (proline 24 retained).
Molecular consequence: synonymous variant.
Genome position (GRCh38, 1-based): chr11:124,029,694, C>A. VCF-style: chr11-124029694-C-A. GRCh37 (hg19) VCF-style: chr11-123900401-C-A.
Identifiers: ClinVar variation 2642489 (VCV002642489.24), dbSNP rs28485314, ClinGen allele CA6336780.

ClinVar aggregate classification (germline): Likely benign (1 of 4 stars; one submission).

Allele frequency attached by ClinVar (database versions not stated): 1000 Genomes Project 30x 0.00031; 1000 Genomes Project 0.00040.

Submission:

CeGaT Center for Human Genetics Tuebingen
Classification: Likely benign. Last evaluated: 2025-01-01. Review status: criteria provided, single submitter. Criteria: CeGaT Center For Human Genetics Tuebingen Variant Classification Criteria Version 2. Collection method: clinical testing. Allele origin: germline. Affected: yes. Observed: 2 variant alleles.
Comment: OR10G8: BP4, BP7